The following is an entry in ClinVar:

NM_001378120.1(MBD5):c.1695C>G (p.Ile565Met)

Gene: MBD5 (methyl-CpG binding domain protein 5; plus strand). Cytogenetic location: 2q23.1.
Variant type: single nucleotide variant.
Coding change: c.1695C>G on transcript NM_001378120.1 (MANE Select); coding-DNA position 1695, C replaced by G.
Protein change: p.Ile565Met; replaces isoleucine 565 with methionine.
Molecular consequence: missense variant.
Genome position (GRCh38, 1-based): chr2:148,469,638, C>G. VCF-style: chr2-148469638-C-G. GRCh37 (hg19) VCF-style: chr2-149227207-C-G.
Other names: c.1695C>G, p.Ile565Met (NM_018328.5); short protein forms I565M.
Identifiers: ClinVar variation 1956555 (VCV001956555.5), dbSNP rs758214829, ClinGen allele CA348720236.

ClinVar aggregate classification (germline): Uncertain significance (1 of 4 stars; one submission).

Conditions:
Intellectual developmental disorder, autosomal dominant 1. Also called: MBD5 Haploinsufficiency; Intellectual disability, autosomal dominant 1. Identifiers: Orphanet 228402, MedGen C1969562, MONDO:0007974, OMIM 156200.

Submission:

Labcorp Genetics (formerly Invitae), Labcorp
Classification: Uncertain significance for Intellectual developmental disorder, autosomal dominant 1. Last evaluated: 2022-02-19. Review status: criteria provided, single submitter. Criteria: Invitae Variant Classification Sherloc (09022015). Collection method: clinical testing. Allele origin: germline.
Comment: This sequence change replaces isoleucine, which is neutral and non-polar, with methionine, which is neutral and non-polar, at codon 565 of the MBD5 protein (p.Ile565Met). This variant is not present in population databases (gnomAD no frequency). This variant has not been reported in the literature in individuals affected with MBD5-related conditions. Algorithms developed to predict the effect of missense changes on protein structure and function are either unavailable or do not agree on the potential impact of this missense change (SIFT: "Deleterious"; PolyPhen-2: "Possibly Damaging"; Align-GVGD: "Class C0"). In summary, the available evidence is currently insufficient to determine the role of this variant in disease. Therefore, it has been classified as a Variant of Uncertain Significance.